The following is an entry in ClinVar:

NM_198576.4(AGRN):c.1400C>T (p.Pro467Leu)

Gene: AGRN (agrin; plus strand). Cytogenetic location: 1p36.33.
Variant type: single nucleotide variant.
Coding change: c.1400C>T on transcript NM_198576.4 (MANE Select); coding-DNA position 1400, C replaced by T.
Protein change: p.Pro467Leu; replaces proline 467 with leucine.
Molecular consequence: missense variant.
Genome position (GRCh38, 1-based): chr1:1,043,254, C>T. VCF-style: chr1-1043254-C-T. GRCh37 (hg19) VCF-style: chr1-978634-C-T.
Other names: c.1400C>T, p.Pro467Leu (NM_001305275.2); c.1085C>T, p.Pro362Leu (NM_001364727.2); short protein forms P362L, P467L.
Identifiers: ClinVar variation 2742321 (VCV002742321.3), dbSNP rs1199284352, ClinGen allele CA337830261.

ClinVar aggregate classification (germline): Uncertain significance (1 of 4 stars; one submission).

Conditions:
Congenital myasthenic syndrome 8. Also called: MYASTHENIC SYNDROME, CONGENITAL, DUE TO AGRIN DEFICIENCY; Myasthenic syndrome, congenital, 8, with pre- and postsynaptic defects. Identifiers: Orphanet 590, MedGen C3808739, MONDO:0014052, OMIM 615120.

Allele frequency attached by ClinVar (database versions not stated): gnomAD exomes below 0.00001; gnomAD 0.00001.
gnomAD v4.1: 6 of 1,608,104 alleles (0.00037%); highest among the groups gnomAD compares: Admixed American, 0.0017%; no homozygotes.

Submission:

Labcorp Genetics (formerly Invitae), Labcorp
Classification: Uncertain significance for Congenital myasthenic syndrome 8. Last evaluated: 2024-02-01. Review status: criteria provided, single submitter. Criteria: Invitae Variant Classification Sherloc (09022015). Collection method: clinical testing. Allele origin: germline.
Comment: This sequence change replaces proline, which is neutral and non-polar, with leucine, which is neutral and non-polar, at codon 467 of the AGRN protein (p.Pro467Leu). The frequency data for this variant in the population databases is considered unreliable, as metrics indicate poor data quality at this position in the gnomAD database. This variant has not been reported in the literature in individuals affected with AGRN-related conditions. An algorithm developed to predict the effect of missense changes on protein structure and function (PolyPhen-2) suggests that this variant is likely to be disruptive. In summary, the available evidence is currently insufficient to determine the role of this variant in disease. Therefore, it has been classified as a Variant of Uncertain Significance.